The following is an entry in ClinVar:

NM_000520.6(HEXA):c.2T>C (p.Met1Thr)

Gene: HEXA (hexosaminidase subunit alpha; minus strand). Cytogenetic location: 15q23.
Variant type: single nucleotide variant.
Coding change: c.2T>C on transcript NM_000520.6 (MANE Select); coding-DNA position 2, T replaced by C.
Protein change: p.Met1Thr; changes the start codon (methionine 1).
Molecular consequence: missense variant, initiator codon variant. On other transcripts: non-coding transcript variant (1).
Genome position (GRCh38, 1-based): chr15:72,375,971, A>G on the plus strand (T>C on the coding strand, the complement: HEXA is on the minus strand). VCF-style: chr15-72375971-A-G. GRCh37 (hg19) VCF-style: chr15-72668312-A-G.
Other names: c.2T>C, p.Met1Thr (NM_001318825.2); short protein forms M1T.
Identifiers: ClinVar variation 189126 (VCV000189126.51), dbSNP rs786204721, ClinGen allele CA274405.

ClinVar aggregate classification (germline): Pathogenic/Likely pathogenic. Review status: criteria provided, multiple submitters, no conflicts (2 of 4 stars). 15 submissions from 15 submitters: Pathogenic (12); Likely pathogenic (1). 2 of the submissions do not count toward it. Last evaluated 2025-12-16.

Conditions:
HEXA-related disorder. Also called: HEXA-related condition.
Tay-Sachs disease (TSD). Also called: HEXA DEFICIENCY; HEXA Disorders; Hexosaminidase A Deficiency; GM2 gangliosidosis, type 1; Hexosaminidase alpha-subunit deficiency (variant B); Sphingolipidosis, Tay-Sachs. Identifiers: Orphanet 845, MedGen C0039373, MONDO:0010100, OMIM 272800.

Allele frequency attached by ClinVar (database versions not stated): TOPMed below 0.00001; gnomAD 0.00001.

Submissions (15):

PreventionGenetics, part of Exact Sciences
Classification: Pathogenic for HEXA-related condition. Last evaluated: 2025-12-16. Review status: criteria provided, single submitter. Criteria: ACMG Guidelines, 2015. Collection method: clinical testing. Allele origin: germline.
Comment: The HEXA c.2T>C variant is predicted to disrupt the translation initiation site (Start loss). This variant has been reported in the homozygous state or with a second HEXA variant in individuals with Tay-Sachs disease (see, for example: Harmon et al. 1993. PubMed ID: 8445615; Montalvo et al. 2005. PubMed ID: 16088929; Abtahi et al. 2021. PubMed ID: 34554397). This variant has not been reported in a large population database (gnomAD), indicating it is rare. Other variants that affect the initiation codon (c.1A>C, c.1A>G, c.1A>T) have also been reported in individuals with Tay-Sachs disease (Ko et al. 2023. PubMed ID: 37645600; Haghighi et al. 2011. PubMed ID: 21796138; Wicklow et al. 2004. PubMed ID: 15108204). This variant is interpreted as pathogenic.

Labcorp Genetics (formerly Invitae), Labcorp
Classification: Pathogenic for Tay-Sachs disease. Last evaluated: 2025-11-26. Review status: criteria provided, single submitter. Criteria: Invitae Variant Classification Sherloc (09022015). Collection method: clinical testing. Allele origin: germline.
Comment: This sequence change affects the initiator codon of the HEXA mRNA. This change may impact translation initiation or efficiency. The next in-frame methionine is located at codon 193. This variant is not present in population databases (gnomAD no frequency). Disruption of the initiator codon has been observed in individual(s) with Tay-Sachs disease (PMID: 8445615, 16088929; internal data). ClinVar contains an entry for this variant (Variation ID: 189126). For these reasons, this variant has been classified as Pathogenic.

Myriad Genetics, Inc.
Classification: Pathogenic for Tay-Sachs disease. Last evaluated: 2025-05-17. Review status: criteria provided, single submitter. Criteria: Myriad Autosomal Dominant, Autosomal Recessive and X-Linked Classification Criteria (2023). Collection method: clinical testing. Allele origin: unknown.
Comment: NM_000520.4(HEXA):c.2T>C(M1?) is an initiation codon variant classified as pathogenic in the context of hexosaminidase A deficiency. M1? has been observed in cases with relevant disease (PMID: 8445615, 34554397, 25326635, 16088929, 31388111, 34374989). Relevant functional assessments of this variant are not available in the literature. M1? has not been observed in referenced population frequency databases. In summary, NM_000520.4(HEXA):c.2T>C(M1?) is an initiation codon variant in a gene where loss of function is a known mechanism of disease, is predicted to disrupt protein function, and has been observed more frequently in cases with the relevant disease than in healthy populations. Please note: this variant was assessed in the context of healthy population screening.

Dubai Health Genomic Medicine Center, Dubai Health
Classification: Pathogenic for Tay-Sachs disease. Last evaluated: 2024-10-04. Review status: criteria provided, single submitter. Criteria: ACMG Guidelines, 2015. Collection method: research. Allele origin: germline. Affected: yes.
Comment: PVS1,PM5,PM3(moderate)

Natera, Inc.
Classification: Pathogenic for Tay-Sachs disease. Last evaluated: 2024-04-26. Review status: criteria provided, single submitter. Criteria: Natera Variant Classification Schema (03/2026). Collection method: clinical testing. Allele origin: germline.
Comment: The c.2T>C variant in HEXA is predicted to result in start loss due to disruption of the initiator methionine. This variant is expected to result in nonsense mediated decay, truncation, or a dysfunctional protein product. This variant is rare in the general population with a frequency below the threshold expected for the associated phenotype(s). This variant has been observed in one or more individuals affected with the associated recessive disease, as either homozygous or compound heterozygous with a second variant (PMID: 27391121). Given the available evidence, this variant is classified as Pathogenic.

CeGaT Center for Human Genetics Tuebingen
Classification: Pathogenic. Last evaluated: 2023-11-01. Review status: criteria provided, single submitter. Criteria: CeGaT Center For Human Genetics Tuebingen Variant Classification Criteria Version 2. Collection method: clinical testing. Allele origin: germline. Affected: yes. Observed: 1 variant allele.
Comment: HEXA: PM3:Strong, PM2, PM5, PVS1:Moderate

GeneDx
Classification: Pathogenic. Last evaluated: 2023-06-27. Review status: criteria provided, single submitter. Criteria: GeneDx Variant Classification Process June 2021. Collection method: clinical testing. Allele origin: germline. Affected: yes.
Comment: Observed in homozygous state or with another HEXA variant in patients with infantile and juvenile onset TSD (Harmon et al., 1993; Abtahi et al., 2022; Montalvo et al., 2005); Initiation codon variant in a gene for which loss of function is a known mechanism of disease; Not observed at significant frequency in large population cohorts (gnomAD); This variant is associated with the following publications: (PMID: 35046417, 16088929, 31130284, 34554397, 8445615)

Women's Health and Genetics/Laboratory Corporation of America, LabCorp
Classification: Pathogenic for Tay-Sachs disease. Last evaluated: 2021-08-23. Review status: criteria provided, single submitter. Criteria: LabCorp Variant Classification Summary - May 2015. Collection method: clinical testing. Allele origin: germline.
Comment: Variant summary: HEXA c.2T>C (p.Met1Thr) alters the initiation codon and is predicted to result either in absence of the protein or truncation of the encoded protein due to translation initiation at a downstream codon. Two of three in-silico tools predict a damaging effect of the variant on protein function. The variant was absent in 249908 control chromosomes. c.2T>C has been reported in the literature in individuals affected with Tay-Sachs Disease (e.g. Harmon_1993, Montalvo_2005). These data indicate that the variant is associated with disease. At least one publication reports experimental evidence evaluating an impact on protein function. The most pronounced variant effect results in <10% of normal activity (Harmon_1993). Eight clinical diagnostic laboratories have submitted clinical-significance assessments for this variant to ClinVar after 2014 without evidence for independent evaluation. All laboratories classified the variant as pathogenic/likely pathogenic. In addition, other variants affecting the start codon (c.1A>C, c.1A>T, c.1A>G) have been reported to associate with Tay-Sachs disease (HGMD database). Based on the evidence outlined above, the variant was classified as pathogenic.

Centre for Mendelian Genomics, University Medical Centre Ljubljana
Classification: Pathogenic for Tay-Sachs disease. Last evaluated: 2018-10-10. Review status: criteria provided, single submitter. Criteria: ACMG Guidelines, 2015. Collection method: clinical testing. Allele origin: unknown. Affected: yes.
Comment: This variant was classified as: Pathogenic. The following ACMG criteria were applied in classifying this variant: PVS1,PM2,PP5.

Genomic Research Center, Shahid Beheshti University of Medical Sciences
Classification: Pathogenic for Tay-Sachs disease. Last evaluated: 2018-08-07. Review status: criteria provided, single submitter. Criteria: ACMG Guidelines, 2015. Collection method: clinical testing. Allele origin: inherited. Affected: yes. Observed: 2 variant alleles.

Eurofins Ntd Llc (ga)
Classification: Pathogenic. Last evaluated: 2017-09-22. Review status: criteria provided, single submitter. Criteria: EGL Classification Definitions 2015. Collection method: clinical testing. Allele origin: germline. Observed: 2 variant alleles, 2 homozygotes.

Baylor Genetics
Classification: Pathogenic for Tay-Sachs disease. Last evaluated: 2017-09-01. Review status: criteria provided, single submitter. Criteria: ACMG Guidelines, 2015. Collection method: clinical testing. Allele origin: germline. Inheritance: Autosomal recessive inheritance. Affected: yes.

Juno Genomics, Hangzhou Juno Genomics, Inc
Classification: Likely pathogenic for Tay-Sachs disease. Review status: criteria provided, single submitter. Criteria: ACMG Guidelines, 2015. Collection method: clinical testing. Allele origin: germline.
Comment: Absent from controls (or at extremely low frequency if recessive) in Genome Aggregation Database.;Null variant in a gene where loss of function (LOF) is a known mechanism of disease.;For recessive disorders, detected in trans with a pathogenic variant.;Patient's phenotype or family history is highly specific for a disease with a single genetic etiology.

Foundation for Research in Genetics and Endocrinology, FRIGE's Institute of Human Genetics
Classification: Pathogenic for Tay-Sachs disease. Last evaluated: 2015-07-18. Review status: no assertion criteria provided. Collection method: research. Allele origin: germline. Inheritance: Autosomal recessive inheritance. Affected: yes. Observed: 1 homozygote. Not counted in ClinVar's aggregate classification.

Counsyl
Classification: Likely pathogenic for Tay-Sachs disease. Last evaluated: 2015-01-15. Review status: no assertion criteria provided. Collection method: literature only. Allele origin: unknown. Inheritance: Autosomal recessive inheritance. Not counted in ClinVar's aggregate classification.

Literature cited by the submitters: PubMed 8445615 (cited by 6 submitters); PubMed 16088929 (cited by 4 submitters); PubMed 25326635 (cited by Myriad Genetics, Inc. and Baylor Genetics); PubMed 31388111 (cited by Myriad Genetics, Inc.); PubMed 34374989 (cited by Myriad Genetics, Inc.); PubMed 34554397 (cited by Myriad Genetics, Inc.); PubMed 27391121 (cited by Natera, Inc.); PubMed 3837850 (cited by Counsyl); PubMed 11161796 (cited by Counsyl).